The following is an entry in ClinVar:

NM_001395413.1(POR):c.138G>C (p.Lys46Asn)

Gene: POR (cytochrome p450 oxidoreductase; plus strand). Cytogenetic location: 7q11.23.
Variant type: single nucleotide variant.
Coding change: c.138G>C on transcript NM_001395413.1 (MANE Select); coding-DNA position 138, G replaced by C.
Protein change: p.Lys46Asn; replaces lysine 46 with asparagine.
Molecular consequence: missense variant.
Genome position (GRCh38, 1-based): chr7:75,954,139, G>C. VCF-style: chr7-75954139-G-C. GRCh37 (hg19) VCF-style: chr7-75583457-G-C.
Other names: c.147G>C, p.Lys49Asn (NM_000941.3); c.138G>C, p.Lys46Asn (NM_001367562.3, NM_001382655.3, NM_001382657.2 and 3 more transcripts); short protein forms K49N, K46N.
Identifiers: ClinVar variation 2193699 (VCV002193699.2), dbSNP rs56355228, ClinGen allele CA4303460.

ClinVar aggregate classification (germline): Uncertain significance. Review status: criteria provided, multiple submitters, no conflicts (2 of 4 stars). 2 submissions from 2 submitters: Uncertain significance (2). Last evaluated 2024-01-16.

Conditions:
Congenital adrenal hyperplasia due to cytochrome P450 oxidoreductase deficiency. Also called: DISORDERED STEROIDOGENESIS DUE TO POR DEFICIENCY. Identifiers: Orphanet 95699, MedGen C1860042, MONDO:0013310, OMIM 613571.

Allele frequency attached by ClinVar (database versions not stated): gnomAD exomes 0.00004; TOPMed 0.00004; gnomAD 0.00005.

Submissions (2):

Women's Health and Genetics/Laboratory Corporation of America, LabCorp
Classification: Uncertain significance. Last evaluated: 2024-01-16. Review status: criteria provided, single submitter. Criteria: LabCorp Variant Classification Summary - May 2015. Collection method: clinical testing. Allele origin: germline.
Comment: Variant summary: POR c.138G>C (p.Lys46Asn) results in a non-conservative amino acid change in the encoded protein sequence. Three of five in-silico tools predict a damaging effect of the variant on protein function. The variant allele was found at a frequency of 4.1e-05 in 245722 control chromosomes (gnomAD). This frequency is not significantly higher than estimated for a pathogenic variant in POR causing Congenital Adrenal Hyperplasia (4.1e-05 vs 0.00091), allowing no conclusion about variant significance. c.138G>C has been reported in the literature in a liver sample initially harvested for transplantation purposes but without clinical details (e.g., Hart_2007). This report therefore does not provide unequivocal conclusions about association of the variant with Congenital Adrenal Hyperplasia. At least one publication reports experimental evidence evaluating an impact on protein function. The most pronounced variant effect results in >50%-90% of eznymatic activity (e.g., Chen_2012), however these results did not allow convincing conclusions about the impact of the variant on human disease. The following publications have been ascertained in the context of this evaluation (PMID: 22719896, 17827787). ClinVar contains an entry for this variant (Variation ID: 2193699). Based on the evidence outlined above, the variant was classified as uncertain significance.

Labcorp Genetics (formerly Invitae), Labcorp
Classification: Uncertain significance for Congenital adrenal hyperplasia due to cytochrome P450 oxidoreductase deficiency. Last evaluated: 2022-08-16. Review status: criteria provided, single submitter. Criteria: Invitae Variant Classification Sherloc (09022015). Collection method: clinical testing. Allele origin: germline.
Comment: This sequence change replaces lysine, which is basic and polar, with asparagine, which is neutral and polar, at codon 49 of the POR protein (p.Lys49Asn). This variant is present in population databases (rs56355228, gnomAD 0.02%). This variant has not been reported in the literature in individuals affected with POR-related conditions. Algorithms developed to predict the effect of missense changes on protein structure and function are either unavailable or do not agree on the potential impact of this missense change (SIFT: "Deleterious"; PolyPhen-2: "Benign"; Align-GVGD: "Class C0"). Experimental studies are conflicting or provide insufficient evidence to determine the effect of this variant on POR function (PMID: 22719896). In summary, the available evidence is currently insufficient to determine the role of this variant in disease. Therefore, it has been classified as a Variant of Uncertain Significance.

Literature cited by the submitters: PubMed 22719896 (cited by Women's Health and Genetics/Laboratory Corporation of America, LabCorp and Labcorp Genetics (formerly Invitae), Labcorp); PubMed 17827787 (cited by Women's Health and Genetics/Laboratory Corporation of America, LabCorp).